The following is an entry in ClinVar:

NM_004006.3(DMD):c.5326-5_5339dup

Gene: DMD (dystrophin; minus strand). Cytogenetic location: Xp21.1.
Variant type: Duplication.
Coding change: c.5326-5_5339dup on transcript NM_004006.3 (MANE Select); 5 bases into the intron before coding-DNA position 5326 through coding-DNA position 5339, 19 bases duplicated (TTTAGGCCTCCATTCCTTT).
Molecular consequence: splice acceptor variant.
Genome position (GRCh38, 1-based): chrX:32,348,515-32,348,533, AAAGGAATGGAGGCCTAAA duplicated on the plus strand (TTTAGGCCTCCATTCCTTT on the coding strand, the reverse complement: DMD is on the minus strand); duplicating any 19 consecutive bases within chrX:32,348,515-32,348,536 gives the same sequence; the c. name uses the placement nearest the transcript's 3' end. VCF-style (leftmost placement, unchanged base first): chrX-32348514-C-CAAAGGAATGGAGGCCTAAA. GRCh37 (hg19) VCF-style: chrX-32366631-C-CAAAGGAATGGAGGCCTAAA.
Other names: c.5302-5_5315dup (NM_000109.4); c.1303-5_1316dup (NM_004011.4); c.1294-5_1307dup (NM_004012.4); c.5314-5_5327dup (NM_004009.3); c.4957-5_4970dup (NM_004010.3).
Identifiers: ClinVar variation 4723150 (VCV004723150.1).
Genomic context (GRCh38, chrX:32,348,514, plus strand): 5'-TTCAGCCTCCAGTGGTTCAAGCAATTTTTGTATATCTGAGTTAAACTGCTCCAATTCCTT[C>CAAAGGAATGGAGGCCTAAA]AAAGGAATGGAGGCCTAAAAAAAAAGATAGTGCTACTTTAAATCAAAATTACTTTTTATT-3'

ClinVar aggregate classification (germline): Uncertain significance (1 of 4 stars; one submission).

Conditions:
Duchenne muscular dystrophy (DMD). Also called: MUSCULAR DYSTROPHY, PSEUDOHYPERTROPHIC PROGRESSIVE, DUCHENNE TYPE; Duchenne Muscular Dystrophy (DMD). Identifiers: Orphanet 98896, MedGen C0013264, MONDO:0010679, OMIM 310200.

Submission:

Labcorp Genetics (formerly Invitae), Labcorp
Classification: Uncertain significance for Duchenne muscular dystrophy. Last evaluated: 2025-08-03. Review status: criteria provided, single submitter. Criteria: Invitae Variant Classification Sherloc (09022015). Collection method: clinical testing. Allele origin: germline.
Comment: This sequence change falls in intron 37 of the DMD gene. It does not directly change the encoded amino acid sequence of the DMD protein. This variant is not present in population databases (gnomAD no frequency). This variant has not been reported in the literature in individuals affected with DMD-related conditions. This variant is also known as c.5326-5_5339dup (p.Leu1780Phefs*14). In summary, the available evidence is currently insufficient to determine the role of this variant in disease. Therefore, it has been classified as a Variant of Uncertain Significance.